The following is an entry in ClinVar:

ClinVar aggregate classification (germline): Uncertain significance. Review status: criteria provided, multiple submitters, no conflicts (2 of 4 stars). 3 submissions from 3 submitters: Uncertain significance (3). Last evaluated 2025-12-07.

Conditions:
Cardiovascular phenotype. Identifiers: MedGen CN230736.
Myofibrillar myopathy 4. Also called: Zaspopathy (type). Identifiers: Orphanet 98912, MedGen C4721886, MONDO:0012277, OMIM 609452.
Long QT syndrome (LQTS). Identifiers: MedGen C0023976, MeSH D008133, MONDO:0002442. Disease mechanism: loss of function. Inheritance: Various modes of inheritance.

gnomAD v4.1: 2 of 1,613,092 alleles (0.00012%); highest among the groups gnomAD compares: Non-Finnish European, 0.000085%; no homozygotes.

Submissions (3):

Ambry Genetics
Classification: Uncertain significance for Cardiovascular phenotype. Last evaluated: 2025-12-07. Review status: criteria provided, single submitter. Criteria: Ambry Variant Classification Scheme 2023. Collection method: clinical testing. Allele origin: germline.
Comment: The p.W490R variant (also known as c.1468T>C), located in coding exon 9 of the LDB3 gene, results from a T to C substitution at nucleotide position 1468. The tryptophan at codon 490 is replaced by arginine, an amino acid with dissimilar properties. This amino acid position is highly conserved in available vertebrate species. In addition, this alteration is predicted to be tolerated by in silico analysis. Since supporting evidence is limited at this time, the clinical significance of this alteration remains unclear.

Dept of Medical Biology, Uskudar University
Classification: Uncertain significance for Long QT syndrome. Last evaluated: 2024-01-08. Review status: criteria provided, single submitter. Criteria: Dept of Medical Biology Variant Classification. Collection method: research. Allele origin: maternal. Affected: yes. Observed: 1 variant allele.
Comment: Criteria: PM2, PP3

Labcorp Genetics (formerly Invitae), Labcorp
Classification: Uncertain significance for Myofibrillar myopathy 4. Last evaluated: 2022-08-24. Review status: criteria provided, single submitter. Criteria: Invitae Variant Classification Sherloc (09022015). Collection method: clinical testing. Allele origin: germline.
Comment: In summary, the available evidence is currently insufficient to determine the role of this variant in disease. Therefore, it has been classified as a Variant of Uncertain Significance. Experimental studies and prediction algorithms are not available or were not evaluated, and the functional significance of this variant is currently unknown. This variant has not been reported in the literature in individuals affected with LDB3-related conditions. This variant is not present in population databases (gnomAD no frequency). This sequence change replaces tryptophan, which is neutral and slightly polar, with arginine, which is basic and polar, at codon 490 of the LDB3 protein (p.Trp490Arg). The LDB3 gene has multiple clinically relevant transcripts. This variant occurs in alternate transcript NM_007078.3, and corresponds to NM_001080116.1:c.*17189T>C in the primary transcript.

NM_007078.3(LDB3):c.1468T>C (p.Trp490Arg)

Gene: LDB3 (LIM domain binding 3; plus strand). Cytogenetic location: 10q23.2.
Variant type: single nucleotide variant.
Coding change: c.1468T>C on transcript NM_007078.3 (MANE Select); coding-DNA position 1468, T replaced by C.
Protein change: p.Trp490Arg; replaces tryptophan 490 with arginine.
Molecular consequence: missense variant.
Genome position (GRCh38, 1-based): chr10:86,716,563, T>C. VCF-style: chr10-86716563-T-C. GRCh37 (hg19) VCF-style: chr10-88476320-T-C.
Other names: c.1468T>C (LRG_385t1); c.1138T>C, p.Trp380Arg (NM_001080114.2); c.1483T>C, p.Trp495Arg (NM_001171610.2); c.1279T>C, p.Trp427Arg (NM_001368064.1, NM_001368065.1); c.1327T>C, p.Trp443Arg (NM_001368066.1); short protein forms W427R, W495R, W443R, W380R, W490R.
Identifiers: ClinVar variation 651763 (VCV000651763.14), dbSNP rs1589675054, ClinGen allele CA377450864.